The following is an entry in ClinVar:

NM_001035.3(RYR2):c.4057C>T (p.His1353Tyr)

Genes: RYR2 (ryanodine receptor 2; plus strand), LOC126806067 (BRD4-independent group 4 enhancer GRCh37_chr1:237753258-237754457; plus strand). Cytogenetic location: 1q43.
Variant type: single nucleotide variant.
Coding change: c.4057C>T on transcript NM_001035.3 (MANE Select); coding-DNA position 4057, C replaced by T.
Protein change: p.His1353Tyr; replaces histidine 1353 with tyrosine.
Molecular consequence: missense variant.
Genome position (GRCh38, 1-based): chr1:237,590,889, C>T. VCF-style: chr1-237590889-C-T. GRCh37 (hg19) VCF-style: chr1-237754189-C-T.
Other names: short protein forms H1353Y.
Identifiers: ClinVar variation 3894016 (VCV003894016.1).
Genomic context (GRCh38, chr1:237,590,889, plus strand): 5'-GACTTGGAAGATTATGATGCTGATTCTGACTTTGAGGTTCTGATGAAGACAGCTCATGGC[C>T]ATCTAGTGCCCGATCGTGTTGACAAAGACAAAGAAGCTACTAAACCAGAGTTTAACAACC-3'
Protein context (NP_001026.2, residues 1343-1363): FEVLMKTAHG[His1353Tyr]LVPDRVDKDK

ClinVar aggregate classification (germline): Uncertain significance (1 of 4 stars; one submission).

Conditions:
Cardiomyopathy (CMYO). Also called: Cardiomyopathies. Identifiers: Orphanet 167848, MedGen C0878544, MONDO:0004994, HP:0001638. Inheritance: Various modes of inheritance.

gnomAD v4.1: 2 of 1,613,844 alleles (0.00012%); highest among the groups gnomAD compares: Non-Finnish European, 0.00017%; no homozygotes.

Submission:

Color Diagnostics, LLC DBA Color Health
Classification: Uncertain significance for Cardiomyopathy. Last evaluated: 2024-08-12. Review status: criteria provided, single submitter. Criteria: ACMG Guidelines, 2015. Collection method: clinical testing. Allele origin: germline.
Comment: This missense variant replaces histidine with tyrosine at codon 1353 of the RYR2 protein. Computational prediction is inconclusive regarding the impact of this variant on protein structure and function (internally defined REVEL score threshold 0.5 < inconclusive < 0.7, PMID: 27666373). To our knowledge, functional studies have not been reported for this variant. This variant has not been reported in individuals affected with RYR2-related disorders in the literature. This variant has been identified in 1/248716 chromosomes in the general population by the Genome Aggregation Database (gnomAD). The available evidence is insufficient to determine the role of this variant in disease conclusively. Therefore, this variant is classified as a Variant of Uncertain Significance.